The following is an entry in ClinVar:

ClinVar aggregate classification (germline): Uncertain significance (1 of 4 stars; one submission).

Conditions:
Inborn genetic diseases. Identifiers: MedGen C0950123, MeSH D030342.

Submission:

Ambry Genetics
Classification: Uncertain significance for Inborn genetic diseases. Last evaluated: 2024-11-24. Review status: criteria provided, single submitter. Criteria: Ambry Variant Classification Scheme 2023. Collection method: clinical testing. Allele origin: germline.
Comment: The p.M1337R variant (also known as c.4010T>G), located in coding exon 14 of the FANCM gene, results from a T to G substitution at nucleotide position 4010. The methionine at codon 1337 is replaced by arginine, an amino acid with similar properties. This amino acid position is conserved. In addition, this alteration is predicted to be tolerated by in silico analysis. Based on the available evidence, the clinical significance of this variant remains unclear.

NM_020937.4(FANCM):c.4010T>G (p.Met1337Arg)

Gene: FANCM (FA complementation group M; plus strand). Cytogenetic location: 14q21.2.
Variant type: single nucleotide variant.
Coding change: c.4010T>G on transcript NM_020937.4 (MANE Select); coding-DNA position 4010, T replaced by G.
Protein change: p.Met1337Arg; replaces methionine 1337 with arginine.
Molecular consequence: missense variant.
Genome position (GRCh38, 1-based): chr14:45,176,764, T>G. VCF-style: chr14-45176764-T-G. GRCh37 (hg19) VCF-style: chr14-45645967-T-G.
Other names: c.3932T>G, p.Met1311Arg (NM_001308133.2); short protein forms M1337R, M1311R.
Identifiers: ClinVar variation 3512920 (VCV003512920.1).
Genomic context (GRCh38, chr14:45,176,764, plus strand): 5'-ATGAAGAATTGTTATCTCCTGGTTATTCTCAGTTTTCTTTACCAGTGCAAAAAAAAGTTA[T>G]GAGTACACCACTCTCTAAATCAAACACATTGAACTCATTTTCTAAGATAAGAAAGGAAAT-3'
Protein context (NP_065988.1, residues 1327-1347): QFSLPVQKKV[Met1337Arg]STPLSKSNTL